The following is an entry in ClinVar:

ClinVar aggregate classification (germline): Uncertain significance (1 of 4 stars; one submission).

Conditions:
Temtamy syndrome (TEMTYS). Also called: MENTAL RETARDATION WITH OR WITHOUT CRANIOFACIAL DYSMORPHISM, OCULAR COLOBOMA, OR ABNORMAL CORPUS CALLOSUM. Identifiers: Orphanet 1777, MedGen C1857512, MONDO:0009033, OMIM 218340.

Allele frequency attached by ClinVar (database versions not stated): gnomAD 0.00001; TOPMed 0.00001.
gnomAD v4.1: 4 of 1,613,430 alleles (0.00025%); highest among the groups gnomAD compares: Non-Finnish European, 0.00034%; no homozygotes.

Submission:

Labcorp Genetics (formerly Invitae), Labcorp
Classification: Uncertain significance for Temtamy syndrome. Last evaluated: 2022-11-15. Review status: criteria provided, single submitter. Criteria: Invitae Variant Classification Sherloc (09022015). Collection method: clinical testing. Allele origin: germline.
Comment: In summary, the available evidence is currently insufficient to determine the role of this variant in disease. Therefore, it has been classified as a Variant of Uncertain Significance. Algorithms developed to predict the effect of missense changes on protein structure and function are either unavailable or do not agree on the potential impact of this missense change (SIFT: "Deleterious"; PolyPhen-2: "Probably Damaging"; Align-GVGD: "Class C0"). ClinVar contains an entry for this variant (Variation ID: 945333). This variant has not been reported in the literature in individuals affected with C12orf57-related conditions. This variant is present in population databases (no rsID available, gnomAD 0.0009%). This sequence change replaces tyrosine, which is neutral and polar, with phenylalanine, which is neutral and non-polar, at codon 69 of the C12orf57 protein (p.Tyr69Phe).

NM_138425.4(C12orf57):c.206A>T (p.Tyr69Phe)

Gene: C12orf57 (chromosome 12 open reading frame 57; plus strand). Cytogenetic location: 12p13.31.
Variant type: single nucleotide variant.
Coding change: c.206A>T on transcript NM_138425.4 (MANE Select); coding-DNA position 206, A replaced by T.
Protein change: p.Tyr69Phe; replaces tyrosine 69 with phenylalanine.
Molecular consequence: missense variant. On other transcripts: intron variant (1).
Genome position (GRCh38, 1-based): chr12:6,944,629, A>T. VCF-style: chr12-6944629-A-T. GRCh37 (hg19) VCF-style: chr12-7053792-A-T.
Other names: c.206A>T, p.Tyr69Phe (NM_001301834.1); c.167A>T, p.Tyr56Phe (NM_001301836.2); c.101A>T, p.Tyr34Phe (NM_001301838.2); c.142+64A>T (NM_001301837.2); short protein forms Y56F, Y34F, Y69F.
Identifiers: ClinVar variation 945333 (VCV000945333.9), dbSNP rs782485941, ClinGen allele CA383744776.
Genomic context (GRCh38, chr12:6,944,629, plus strand): 5'-AGATGCTGCAATTCGTGCTGCCCGTGGCCACGCAGATCCAGCAGGAGGTTATCAAAGCCT[A>T]TGGCTTCAGCTGCGACGGGGAAGGTGGGTCAGACGCGGGAAGGCGGGTCAGACGCGGGAA-3'
Protein context (NP_612434.1, residues 59-79): TQIQQEVIKA[Tyr69Phe]GFSCDGEGVL